The following is an entry in ClinVar:

ClinVar aggregate classification (germline): Uncertain significance (1 of 4 stars; one submission).

Conditions:
Hereditary cancer-predisposing syndrome. Also called: Hereditary Cancer Syndrome; Hereditary neoplastic syndrome; Neoplastic Syndromes, Hereditary; Tumor predisposition. Identifiers: Orphanet 140162, MedGen C0027672, MeSH D009386, MONDO:0015356.

Submission:

Ambry Genetics
Classification: Uncertain significance for Hereditary cancer-predisposing syndrome. Last evaluated: 2025-07-17. Review status: criteria provided, single submitter. Criteria: Ambry Variant Classification Scheme 2023. Collection method: clinical testing. Allele origin: germline.
Comment: The p.D84V variant (also known as c.251A>T) is located in coding exon 3 of the FANCC gene. The aspartic acid at codon 84 is replaced by valine, an amino acid with highly dissimilar properties. This change occurs in the first base pair of coding exon 3. This amino acid position is conserved. In addition, this alteration is predicted to be deleterious by in silico analysis. Based on the available evidence, the clinical significance of this variant remains unclear.

NM_000136.3(FANCC):c.251A>T (p.Asp84Val)

Gene: FANCC (FA complementation group C; minus strand). Cytogenetic location: 9q22.32.
Variant type: single nucleotide variant.
Coding change: c.251A>T on transcript NM_000136.3 (MANE Select); coding-DNA position 251, A replaced by T.
Protein change: p.Asp84Val; replaces aspartic acid 84 with valine.
Molecular consequence: missense variant.
Genome position (GRCh38, 1-based): chr9:95,240,743, T>A on the plus strand (A>T on the coding strand, the complement: FANCC is on the minus strand). VCF-style: chr9-95240743-T-A. GRCh37 (hg19) VCF-style: chr9-98003025-T-A.
Other names: c.251A>T, p.Asp84Val (NM_001243743.2, NM_001243744.2); short protein forms D84V.
Identifiers: ClinVar variation 4254382 (VCV004254382.1).